The following is an entry in ClinVar:

ClinVar aggregate classification (germline): Benign/Likely benign. Review status: criteria provided, multiple submitters, no conflicts (2 of 4 stars). 4 submissions from 4 submitters: Benign (2); Likely benign (2). Last evaluated 2026-01-21.

Conditions:
Congenital stationary night blindness 1D. Also called: Night blindness, congenital stationary (complete), 1D, autosomal recessive. Identifiers: Orphanet 215, MedGen C3151193, MONDO:0013450, OMIM 613830.

Allele frequency attached by ClinVar (database versions not stated): 1000 Genomes Project 0.01478; TOPMed 0.01739; 1000 Genomes Project 30x 0.01702; gnomAD exomes 0.00390; ExAC 0.00463; ESP Exome Variant Server 0.01703; gnomAD 0.01561 and 0.01683.
gnomAD v4.1: 4,702 of 1,613,992 alleles (0.29%); highest among the groups gnomAD compares: African/African-American, 5.5%; 96 homozygotes.

Submissions (4):

Labcorp Genetics (formerly Invitae), Labcorp
Classification: Benign. Last evaluated: 2026-01-21. Review status: criteria provided, single submitter. Criteria: Invitae Variant Classification Sherloc (09022015). Collection method: clinical testing. Allele origin: germline.

Illumina Laboratory Services, Illumina
Classification: Likely benign for Congenital stationary night blindness 1D. Last evaluated: 2017-04-27. Review status: criteria provided, single submitter. Criteria: ICSL Variant Classification Criteria 13 December 2019. Collection method: clinical testing. Allele origin: germline.
Comment: This variant was observed as part of a predisposition screen in an ostensibly healthy population. A literature search was performed for the gene, cDNA change, and amino acid change (where applicable). Publications were found based on this search. The evidence from the literature, in combination with allele frequency data from public databases where available, was sufficient to determine this variant is unlikely to cause disease. Therefore, this variant is classified as likely benign.

Breakthrough Genomics
Classification: Likely benign. Review status: criteria provided, single submitter. Criteria: ACMG Guidelines, 2015. Collection method: not provided. Allele origin: germline. Inheritance: Autosomal recessive inheritance. Affected: yes.

PreventionGenetics, part of Exact Sciences
Classification: Benign. Review status: criteria provided, single submitter. Criteria: ACMG Guidelines, 2015. Collection method: clinical testing. Allele origin: germline.

Literature cited by the submitters: PubMed 12037007 (cited by Illumina Laboratory Services, Illumina).

NM_004727.3(SLC24A1):c.1822G>A (p.Val608Ile)

Gene: SLC24A1 (solute carrier family 24 member 1; plus strand). Cytogenetic location: 15q22.31.
Variant type: single nucleotide variant.
Coding change: c.1822G>A on transcript NM_004727.3 (MANE Select); coding-DNA position 1822, G replaced by A.
Protein change: p.Val608Ile; replaces valine 608 with isoleucine.
Molecular consequence: missense variant.
Genome position (GRCh38, 1-based): chr15:65,625,902, G>A. VCF-style: chr15-65625902-G-A. GRCh37 (hg19) VCF-style: chr15-65918240-G-A.
Other names: c.1822G>A, p.Val608Ile (NM_001301031.1, NM_001301032.1, NM_001301033.2); short protein forms V608I.
Identifiers: ClinVar variation 259526 (VCV000259526.17), dbSNP rs35984752, ClinGen allele CA7619977.